The following is an entry in ClinVar:

NM_001099922.3(ALG13):c.2334G>C (p.Leu778Phe)

Gene: ALG13 (ALG13 UDP-N-acetylglucosaminyltransferase subunit; plus strand). Cytogenetic location: Xq23.
Variant type: single nucleotide variant.
Coding change: c.2334G>C on transcript NM_001099922.3 (MANE Select); coding-DNA position 2334, G replaced by C.
Protein change: p.Leu778Phe; replaces leucine 778 with phenylalanine.
Molecular consequence: missense variant. On other transcripts: non-coding transcript variant (1).
Genome position (GRCh38, 1-based): chrX:111,728,271, G>C. VCF-style: chrX-111728271-G-C. GRCh37 (hg19) VCF-style: chrX-110971499-G-C.
Other names: c.2022G>C, p.Leu674Phe (NM_001257230.2, NM_001257234.2, NM_001257237.2); c.2100G>C, p.Leu700Phe (NM_001257231.2); c.2334G>C, p.Leu778Phe (NM_001324292.2); c.1848G>C, p.Leu616Phe (NM_001324293.1); short protein forms L674F, L778F, L616F, L700F.
Identifiers: ClinVar variation 937012 (VCV000937012.8), dbSNP rs1942288359, ClinGen allele CA414253799.

ClinVar aggregate classification (germline): Uncertain significance. Review status: criteria provided, multiple submitters, no conflicts (2 of 4 stars). 2 submissions from 2 submitters: Uncertain significance (2). Last evaluated 2022-10-09.

Conditions:
Developmental and epileptic encephalopathy, 36 (DEE36). Also called: Epileptic encephalopathy, early infantile, 36; ALG13-CDG; Congenital disorder of glycosylation, type Is. Identifiers: Orphanet 324422, MedGen C4317295, MONDO:0010472, OMIM 300884.

Submissions (2):

Labcorp Genetics (formerly Invitae), Labcorp
Classification: Uncertain significance for Developmental and epileptic encephalopathy, 36. Last evaluated: 2022-10-09. Review status: criteria provided, single submitter. Criteria: Invitae Variant Classification Sherloc (09022015). Collection method: clinical testing. Allele origin: germline.
Comment: This sequence change replaces leucine, which is neutral and non-polar, with phenylalanine, which is neutral and non-polar, at codon 778 of the ALG13 protein (p.Leu778Phe). This variant is not present in population databases (gnomAD no frequency). This variant has not been reported in the literature in individuals affected with ALG13-related conditions. ClinVar contains an entry for this variant (Variation ID: 937012). Advanced modeling of protein sequence and biophysical properties (such as structural, functional, and spatial information, amino acid conservation, physicochemical variation, residue mobility, and thermodynamic stability) performed at Invitae indicates that this missense variant is not expected to disrupt ALG13 protein function. In summary, the available evidence is currently insufficient to determine the role of this variant in disease. Therefore, it has been classified as a Variant of Uncertain Significance.

GeneDx
Classification: Uncertain significance. Last evaluated: 2019-02-12. Review status: criteria provided, single submitter. Criteria: GeneDx Variant Classification Process June 2021. Collection method: clinical testing. Allele origin: germline. Affected: yes.
Comment: Not observed in large population cohorts (Lek et al., 2016; McVean et al., 2012; Exome Variant Server); In silico analysis, which includes protein predictors and evolutionary conservation, supports a deleterious effect; Has not been previously published as pathogenic or benign to our knowledge